The following is an entry in ClinVar:

NM_005555.4(KRT6B):c.1208C>T (p.Ala403Val)

Gene: KRT6B (keratin 6B; minus strand). Cytogenetic location: 12q13.13.
Variant type: single nucleotide variant.
Coding change: c.1208C>T on transcript NM_005555.4 (MANE Select); coding-DNA position 1208, C replaced by T.
Protein change: p.Ala403Val; replaces alanine 403 with valine.
Molecular consequence: missense variant.
Genome position (GRCh38, 1-based): chr12:52,447,994, G>A on the plus strand (C>T on the coding strand, the complement: KRT6B is on the minus strand). VCF-style: chr12-52447994-G-A. GRCh37 (hg19) VCF-style: chr12-52841778-G-A.
Other names: short protein forms A403V.
Identifiers: ClinVar variation 3116570 (VCV003116570.2), dbSNP rs1232754112, ClinGen allele CA384982898.

ClinVar aggregate classification (germline): Uncertain significance. Review status: criteria provided, multiple submitters, no conflicts (2 of 4 stars). 2 submissions from 2 submitters: Uncertain significance (2). Last evaluated 2025-04-11.

Conditions:
Inborn genetic diseases. Identifiers: MedGen C0950123, MeSH D030342.

Allele frequency attached by ClinVar (database versions not stated): gnomAD exomes below 0.00001.

Submissions (2):

Labcorp Genetics (formerly Invitae), Labcorp
Classification: Uncertain significance. Last evaluated: 2025-04-11. Review status: criteria provided, single submitter. Criteria: Invitae Variant Classification Sherloc (09022015). Collection method: clinical testing. Allele origin: germline.
Comment: This sequence change replaces alanine, which is neutral and non-polar, with valine, which is neutral and non-polar, at codon 403 of the KRT6B protein (p.Ala403Val). This variant is present in population databases (no rsID available, gnomAD 0.006%). This variant has not been reported in the literature in individuals affected with KRT6B-related conditions. ClinVar contains an entry for this variant (Variation ID: 3116570). Invitae Evidence Modeling of protein sequence and biophysical properties (such as structural, functional, and spatial information, amino acid conservation, physicochemical variation, residue mobility, and thermodynamic stability) indicates that this missense variant is not expected to disrupt KRT6B protein function with a negative predictive value of 80%. In summary, the available evidence is currently insufficient to determine the role of this variant in disease. Therefore, it has been classified as a Variant of Uncertain Significance.

Ambry Genetics
Classification: Uncertain significance for Inborn genetic diseases. Last evaluated: 2024-01-30. Review status: criteria provided, single submitter. Criteria: Ambry Variant Classification Scheme 2023. Collection method: clinical testing. Allele origin: germline.